The following is an entry in ClinVar:

ClinVar aggregate classification (germline): Conflicting classifications of pathogenicity. Review status: criteria provided, conflicting classifications (1 of 4 stars). 9 submissions from 9 submitters: Uncertain significance (6); Likely benign (1). 2 of the submissions do not count toward it. Last evaluated 2026-08-04.

Conditions:
Hereditary cancer-predisposing syndrome. Also called: Tumor predisposition; Neoplastic Syndromes, Hereditary; Hereditary Cancer Syndrome; Hereditary neoplastic syndrome. Identifiers: Orphanet 140162, MedGen C0027672, MeSH D009386, MONDO:0015356.
Hereditary pheochromocytoma and paraganglioma. Also called: Hereditary paragangliomas and pheochromocytomas; Hereditary Paraganglioma-Pheochromocytoma Syndromes; Hereditary pheochromocytoma-paraganglioma. Identifiers: Orphanet 29072, MedGen C4274332, MONDO:0017366.
SDHAF2-related disorder. Also called: SDHAF2-related condition.
Pheochromocytoma/paraganglioma syndrome 2. Also called: SDHAF2-Related Hereditary Paraganglioma-Pheochromocytoma Syndrome (Paragangliomas 2); Paragangliomas 2; SDHAF2-Related Hereditary Paraganglioma-Pheochromocytoma Syndrome; GLOMUS TUMORS, FAMILIAL, 2. Identifiers: Orphanet 29072, MedGen C1866552, MONDO:0011121, OMIM 601650.

Allele frequency attached by ClinVar (database versions not stated): ExAC 0.00001; gnomAD 0.00002; gnomAD exomes 0.00001 and 0.00002; TOPMed 0.00001.
gnomAD v4.1: 17 of 1,614,040 alleles (0.0011%); highest among the groups gnomAD compares: Non-Finnish European, 0.0014%; no homozygotes.

Submissions (9):

Myriad Genetics, Inc.
Classification: Likely benign for Pheochromocytoma/paraganglioma syndrome 2. Last evaluated: 2026-08-04. Review status: criteria provided, single submitter. Criteria: Myriad Autosomal Dominant, Autosomal Recessive and X-Linked Classification Criteria (2023). Collection method: clinical testing. Allele origin: unknown.
Comment: This variant is considered likely benign. This variant has been observed at a population frequency that is significantly greater than expected given the associated disease prevalence and penetrance.

Color Diagnostics, LLC DBA Color Health
Classification: Uncertain significance for Hereditary pheochromocytoma and paraganglioma. Last evaluated: 2025-10-20. Review status: criteria provided, single submitter. Criteria: ACMG Guidelines, 2015. Collection method: clinical testing. Allele origin: germline.
Comment: This missense variant replaces arginine with histidine at codon 33 of the SDHAF2 protein. Computational prediction suggests that this variant may not impact protein structure and function. To our knowledge, functional studies have not been reported for this variant. This variant has not been reported in individuals affected with SDHAF2-related disorders in the literature. This variant has been identified in 17/1614040 chromosomes in the general population by the Genome Aggregation Database (gnomAD). The available evidence is insufficient to determine the role of this variant in disease conclusively. Therefore, this variant is classified as a Variant of Uncertain Significance.

Center for Genomic Medicine, Rigshospitalet, Copenhagen University Hospital
Classification: Uncertain significance. Last evaluated: 2025-03-04. Review status: criteria provided, single submitter. Criteria: ACMG Guidelines, 2015. Collection method: clinical testing. Allele origin: germline.

PreventionGenetics, part of Exact Sciences
Classification: Uncertain significance for SDHAF2-related condition. Last evaluated: 2024-11-22. Review status: criteria provided, single submitter. Criteria: ACMG Guidelines, 2015. Collection method: clinical testing. Allele origin: germline.
Comment: The SDHAF2 c.98G>A variant is predicted to result in the amino acid substitution p.Arg33His. To our knowledge, this variant has not been reported in the literature. This variant is reported in 0.0039% of alleles in individuals of European (Non-Finnish) descent in gnomAD and is classified as a variant of uncertain significance in ClinVar. At this time, the clinical significance of this variant is uncertain due to the absence of conclusive functional and genetic evidence.

Labcorp Genetics (formerly Invitae), Labcorp
Classification: Uncertain significance for Hereditary pheochromocytoma and paraganglioma. Last evaluated: 2024-07-30. Review status: criteria provided, single submitter. Criteria: Invitae Variant Classification Sherloc (09022015). Collection method: clinical testing. Allele origin: germline.
Comment: This sequence change replaces arginine, which is basic and polar, with histidine, which is basic and polar, at codon 33 of the SDHAF2 protein (p.Arg33His). This variant is present in population databases (rs777442412, gnomAD 0.003%). This variant has not been reported in the literature in individuals affected with SDHAF2-related conditions. ClinVar contains an entry for this variant (Variation ID: 532518). An algorithm developed to predict the effect of missense changes on protein structure and function (PolyPhen-2) suggests that this variant is likely to be tolerated. In summary, the available evidence is currently insufficient to determine the role of this variant in disease. Therefore, it has been classified as a Variant of Uncertain Significance.

Ambry Genetics
Classification: Uncertain significance for Hereditary cancer-predisposing syndrome. Last evaluated: 2023-09-12. Review status: criteria provided, single submitter. Criteria: Ambry Variant Classification Scheme 2023. Collection method: clinical testing. Allele origin: germline.
Comment: The p.R33H variant (also known as c.98G>A), located in coding exon 2 of the SDHAF2 gene, results from a G to A substitution at nucleotide position 98. The arginine at codon 33 is replaced by histidine, an amino acid with highly similar properties. This amino acid position is not well conserved in available vertebrate species. In addition, this alteration is predicted to be tolerated by in silico analysis. Since supporting evidence is limited at this time, the clinical significance of this alteration remains unclear.

Institute for Clinical Genetics, University Hospital TU Dresden, University Hospital TU Dresden
Classification: Uncertain significance. Last evaluated: 2021-11-03. Review status: criteria provided, single submitter. Criteria: ACMG Guidelines, 2015. Collection method: clinical testing. Allele origin: germline.

Genome Diagnostics Laboratory, Amsterdam University Medical Center
Classification: Likely benign. Review status: no assertion criteria provided. Collection method: clinical testing. Allele origin: germline. Affected: yes. Study: VKGL Data-share Consensus. Not counted in ClinVar's aggregate classification.

Joint Genome Diagnostic Labs from Nijmegen and Maastricht, Radboudumc and MUMC+
Classification: Likely benign. Review status: no assertion criteria provided. Collection method: clinical testing. Allele origin: germline. Affected: yes. Study: VKGL Data-share Consensus. Not counted in ClinVar's aggregate classification.

NM_017841.4(SDHAF2):c.98G>A (p.Arg33His)

Gene: SDHAF2 (succinate dehydrogenase complex assembly factor 2; plus strand). Cytogenetic location: 11q12.2.
Variant type: single nucleotide variant.
Coding change: c.98G>A on transcript NM_017841.4 (MANE Select); coding-DNA position 98, G replaced by A.
Protein change: p.Arg33His; replaces arginine 33 with histidine.
Molecular consequence: missense variant.
Genome position (GRCh38, 1-based): chr11:61,437,686, G>A. VCF-style: chr11-61437686-G-A. GRCh37 (hg19) VCF-style: chr11-61205158-G-A.
Other names: c.98G>A (NM_017841.1); short protein forms R33H.
Identifiers: ClinVar variation 532518 (VCV000532518.20), dbSNP rs777442412, ClinGen allele CA059634.